The following is an entry in ClinVar:

NM_144573.4(NEXN):c.790A>C (p.Lys264Gln)

Gene: NEXN (nexilin F-actin binding protein; plus strand). Cytogenetic location: 1p31.1.
Variant type: single nucleotide variant.
Coding change: c.790A>C on transcript NM_144573.4 (MANE Select); coding-DNA position 790, A replaced by C.
Protein change: p.Lys264Gln; replaces lysine 264 with glutamine.
Molecular consequence: missense variant.
Genome position (GRCh38, 1-based): chr1:77,926,818, A>C. VCF-style: chr1-77926818-A-C. GRCh37 (hg19) VCF-style: chr1-78392503-A-C.
Other names: c.598A>C, p.Lys200Gln (NM_001172309.2); short protein forms K264Q, K200Q.
Identifiers: ClinVar variation 1486476 (VCV001486476.8), dbSNP rs752321632, ClinGen allele CA24678806.
Genomic context (GRCh38, chr1:77,926,818, plus strand): 5'-CCCGGAAAATTGAAACTAACTTTTGAAGAACTGGAGCGACAAAGACAAGAAAACCGAAAG[A>C]AGCAAGCTGAAGAGGAAGCAAGAAAACGTTTAGAAGAAGAGAAGCGTGCTTTTGAAGAAG-3'
Protein context (NP_653174.3, residues 254-274): LERQRQENRK[Lys264Gln]QAEEEARKRL

ClinVar aggregate classification (germline): Uncertain significance (1 of 4 stars; one submission).

Conditions:
Hypertrophic cardiomyopathy 20. Identifiers: MedGen C3151267, MONDO:0013477, OMIM 613876.
Dilated cardiomyopathy 1CC (CMD1CC). Identifiers: Orphanet 154, MedGen C2751084, MONDO:0013147, OMIM 613122.

Allele frequency attached by ClinVar (database versions not stated): TOPMed below 0.00001.
gnomAD v4.1: 2 of 1,614,054 alleles (0.00012%); highest among the groups gnomAD compares: Non-Finnish European, 0.00017%; no homozygotes.

Submission:

Labcorp Genetics (formerly Invitae), Labcorp
Classification: Uncertain significance for Dilated cardiomyopathy 1CC; Hypertrophic cardiomyopathy 20. Last evaluated: 2022-11-28. Review status: criteria provided, single submitter. Criteria: Invitae Variant Classification Sherloc (09022015). Collection method: clinical testing. Allele origin: germline.
Comment: This sequence change replaces lysine, which is basic and polar, with glutamine, which is neutral and polar, at codon 264 of the NEXN protein (p.Lys264Gln). This variant is not present in population databases (gnomAD no frequency). This variant has not been reported in the literature in individuals affected with NEXN-related conditions. ClinVar contains an entry for this variant (Variation ID: 1486476). Advanced modeling of protein sequence and biophysical properties (such as structural, functional, and spatial information, amino acid conservation, physicochemical variation, residue mobility, and thermodynamic stability) performed at Invitae indicates that this missense variant is not expected to disrupt NEXN protein function. In summary, the available evidence is currently insufficient to determine the role of this variant in disease. Therefore, it has been classified as a Variant of Uncertain Significance.